The following is an entry in ClinVar:

NM_005502.4(ABCA1):c.4218C>A (p.Asn1406Lys)

Gene: ABCA1 (ATP binding cassette subfamily A member 1; minus strand). Cytogenetic location: 9q31.1.
Variant type: single nucleotide variant.
Coding change: c.4218C>A on transcript NM_005502.4 (MANE Select); coding-DNA position 4218, C replaced by A.
Protein change: p.Asn1406Lys; replaces asparagine 1406 with lysine.
Molecular consequence: missense variant.
Genome position (GRCh38, 1-based): chr9:104,809,522, G>T on the plus strand (C>A on the coding strand, the complement: ABCA1 is on the minus strand). VCF-style: chr9-104809522-G-T. GRCh37 (hg19) VCF-style: chr9-107571803-G-T.
Other names: short protein forms N1406K.
Identifiers: ClinVar variation 2132743 (VCV002132743.4), dbSNP rs147920726, ClinGen allele CA374316407.
Genomic context (GRCh38, chr9:104,809,522, plus strand): 5'-TCACGGGATTGGGTTTCCTTCCATACAGCGGGTCCCGAAGCCAGGGTCTTTGGTGAGGGC[G>T]TTTAAGAGTTCCAGGGTTCCCGTGTCCTCAGGAGCATCATTGCTGTGGGTACATGAGAGG-3'
Protein context (NP_005493.2, residues 1396-1416): PEDTGTLELL[Asn1406Lys]ALTKDPGFGT

ClinVar aggregate classification (germline): Uncertain significance (1 of 4 stars; one submission).

Submission:

Labcorp Genetics (formerly Invitae), Labcorp
Classification: Uncertain significance. Last evaluated: 2025-10-01. Review status: criteria provided, single submitter. Criteria: Invitae Variant Classification Sherloc (09022015). Collection method: clinical testing. Allele origin: germline.
Comment: This sequence change replaces asparagine, which is neutral and polar, with lysine, which is basic and polar, at codon 1406 of the ABCA1 protein (p.Asn1406Lys). This variant is not present in population databases (gnomAD no frequency). This variant has not been reported in the literature in individuals affected with ABCA1-related conditions. ClinVar contains an entry for this variant (Variation ID: 2132743). Invitae Evidence Modeling of protein sequence and biophysical properties (such as structural, functional, and spatial information, amino acid conservation, physicochemical variation, residue mobility, and thermodynamic stability) indicates that this missense variant is not expected to disrupt ABCA1 protein function with a negative predictive value of 95%. In summary, the available evidence is currently insufficient to determine the role of this variant in disease. Therefore, it has been classified as a Variant of Uncertain Significance.